The following is an entry in ClinVar:

NM_001291415.2(KDM6A):c.624A>G (p.Gln208=)

Gene: KDM6A (lysine demethylase 6A; plus strand). Cytogenetic location: Xp11.3.
Variant type: single nucleotide variant.
Coding change: c.624A>G on transcript NM_001291415.2 (MANE Select); coding-DNA position 624, A replaced by G.
Protein change: p.Gln208=; no amino-acid change (glutamine 208 retained).
Molecular consequence: synonymous variant. On other transcripts: 5 prime UTR variant (1), non-coding transcript variant (1).
Genome position (GRCh38, 1-based): chrX:45,037,659, A>G. VCF-style: chrX-45037659-A-G. GRCh37 (hg19) VCF-style: chrX-44896904-A-G.
Other names: c.624A>G, p.Gln208= (NM_001291416.2, NM_001291417.2, NM_001291418.2 and 1 more transcripts); c.-130A>G (NM_001291421.2).
Identifiers: ClinVar variation 261407 (VCV000261407.15), dbSNP rs200602649, ClinGen allele CA10392225.
Genomic context (GRCh38, chrX:45,037,659, plus strand): 5'-GCCCCAAATTCTGCTGTATTGTTACTGATTTTTTTGTCTTTCCTCATCCTTTGCAGTTCA[A>G]TTTCACATTGCCCACTTATATGAAACCCAGGTAAGTATTTTAACTTATTCTATTTAAAAC-3'
Protein context (NP_001278344.1, residues 198-218): NPCTLSNAEI[Gln208=]FHIAHLYETQ

ClinVar aggregate classification (germline): Benign/Likely benign. Review status: criteria provided, multiple submitters, no conflicts (2 of 4 stars). 4 submissions from 4 submitters: Benign (1); Likely benign (3). Last evaluated 2025-07-06.

Conditions:
Kabuki syndrome 2 (KABUK2). Also called: KDM6A-Related Kabuki Syndrome. Identifiers: Orphanet 2322, MedGen C3275495, MONDO:0010465, OMIM 300867.

Allele frequency attached by ClinVar (database versions not stated): ExAC 0.00001; gnomAD exomes 0.00002 and 0.00004; gnomAD 0.00004 and 0.00005; TOPMed 0.00004; 1000 Genomes Project 30x 0.00021; 1000 Genomes Project 0.00026.
gnomAD v4.1: 31 of 1,203,545 alleles (0.0026%); highest among the groups gnomAD compares: African/African-American, 0.007%; no homozygotes.

Submissions (4):

Labcorp Genetics (formerly Invitae), Labcorp
Classification: Benign for Kabuki syndrome 2. Last evaluated: 2025-07-06. Review status: criteria provided, single submitter. Criteria: Invitae Variant Classification Sherloc (09022015). Collection method: clinical testing. Allele origin: germline.

CeGaT Center for Human Genetics Tuebingen
Classification: Likely benign. Last evaluated: 2025-06-01. Review status: criteria provided, single submitter. Criteria: CeGaT Center For Human Genetics Tuebingen Variant Classification Criteria Version 2. Collection method: clinical testing. Allele origin: germline. Affected: yes. Observed: 1 variant allele.
Comment: KDM6A: BP4, BP7, BS2

Blueprint Genetics
Classification: Likely benign. Last evaluated: 2022-02-08. Review status: criteria provided, single submitter. Criteria: ACMG Guidelines, 2015. Collection method: clinical testing. Allele origin: germline.

PreventionGenetics, part of Exact Sciences
Classification: Likely benign. Review status: criteria provided, single submitter. Criteria: ACMG Guidelines, 2015. Collection method: clinical testing. Allele origin: germline.